The following is an entry in ClinVar:

ClinVar aggregate classification (germline): Conflicting classifications of pathogenicity. Review status: criteria provided, conflicting classifications (1 of 4 stars). 3 submissions from 3 submitters: Uncertain significance (1); Likely benign (2). Last evaluated 2022-05-01.

Conditions:
Inborn genetic diseases. Identifiers: MedGen C0950123, MeSH D030342.

Allele frequency attached by ClinVar (database versions not stated): ExAC 0.00002; gnomAD 0.00002; gnomAD exomes 0.00003 and 0.00004; TOPMed 0.00003; ESP Exome Variant Server 0.00009.
gnomAD v4.1: 34 of 1,209,591 alleles (0.0028%); highest among the groups gnomAD compares: East Asian, 0.003%; no homozygotes.

Submissions (3):

CeGaT Center for Human Genetics Tuebingen
Classification: Likely benign. Last evaluated: 2022-05-01. Review status: criteria provided, single submitter. Criteria: CeGaT Center For Human Genetics Tuebingen Variant Classification Criteria Version 2. Collection method: clinical testing. Allele origin: germline. Affected: yes. Observed: 1 variant allele.
Comment: PTCHD1: BS2

Ambry Genetics
Classification: Likely benign for Inborn genetic diseases. Last evaluated: 2017-02-08. Review status: criteria provided, single submitter. Criteria: Ambry Variant Classification Scheme 2023. Collection method: clinical testing. Allele origin: germline.

Eurofins Ntd Llc (ga)
Classification: Uncertain significance. Last evaluated: 2016-02-12. Review status: criteria provided, single submitter. Criteria: EGL Classification Definitions 2015. Collection method: clinical testing. Allele origin: germline. Observed: 3 variant alleles, 2 heterozygotes, 1 hemizygote.

NM_173495.3(PTCHD1):c.2041G>A (p.Val681Ile)

Gene: PTCHD1 (patched domain containing 1; plus strand). Cytogenetic location: Xp22.11.
Variant type: single nucleotide variant.
Coding change: c.2041G>A on transcript NM_173495.3 (MANE Select); coding-DNA position 2041, G replaced by A.
Protein change: p.Val681Ile; replaces valine 681 with isoleucine.
Molecular consequence: missense variant.
Genome position (GRCh38, 1-based): chrX:23,393,559, G>A. VCF-style: chrX-23393559-G-A. GRCh37 (hg19) VCF-style: chrX-23411676-G-A.
Other names: short protein forms V681I.
Identifiers: ClinVar variation 196591 (VCV000196591.32), dbSNP rs150912089, ClinGen allele CA243600.
Genomic context (GRCh38, chrX:23,393,559, plus strand): 5'-CTCTATGATCTCTTGGAAACCCTGAGGAGACTTTCTGTCACCTCCAAGGTGAAGTTCATC[G>A]TCTTCAATCCGTCCTTTGTATACATGGATCGATATGCCTCCTCTCTGGGAGCCCCCCTGC-3'
Protein context (NP_775766.2, residues 671-691): LSVTSKVKFI[Val681Ile]FNPSFVYMDR